The following is an entry in ClinVar:

ClinVar aggregate classification (germline): Uncertain significance. Review status: criteria provided, multiple submitters, no conflicts (2 of 4 stars). 2 submissions from 2 submitters: Uncertain significance (2). Last evaluated 2023-07-15.

Conditions:
Hereditary sensory and autonomic neuropathy type 6. Also called: Neuropathy, hereditary sensory and autonomic, type VI; HSAN VI. Identifiers: Orphanet 314381, MedGen C3539003, MONDO:0013839, OMIM 614653.
Epidermolysis bullosa simplex 3, localized or generalized intermediate, with BP230 deficiency (EBS3). Also called: Epidermolysis bullosa simplex, autosomal recessive 2; Epidermolysis bullosa simplex due to BP230 deficiency. Identifiers: Orphanet 412181, MedGen C3809470, MONDO:0014180, OMIM 615425.
Inborn genetic diseases. Identifiers: MedGen C0950123, MeSH D030342.

Allele frequency attached by ClinVar (database versions not stated): gnomAD exomes below 0.00001; TOPMed below 0.00001.
gnomAD v4.1: 3 of 1,614,194 alleles (0.00019%); highest among the groups gnomAD compares: Non-Finnish European, 0.00025%; no homozygotes.

Submissions (2):

Labcorp Genetics (formerly Invitae), Labcorp
Classification: Uncertain significance for Epidermolysis bullosa simplex 3, localized or generalized intermediate, with BP230 deficiency; Hereditary sensory and autonomic neuropathy type 6. Last evaluated: 2023-07-15. Review status: criteria provided, single submitter. Criteria: Invitae Variant Classification Sherloc (09022015). Collection method: clinical testing. Allele origin: germline.
Comment: In summary, the available evidence is currently insufficient to determine the role of this variant in disease. Therefore, it has been classified as a Variant of Uncertain Significance. An algorithm developed to predict the effect of missense changes on protein structure and function (PolyPhen-2) suggests that this variant is likely to be disruptive. ClinVar contains an entry for this variant (Variation ID: 1409034). This variant has not been reported in the literature in individuals affected with DST-related conditions. This variant is not present in population databases (gnomAD no frequency). This sequence change replaces serine, which is neutral and polar, with cysteine, which is neutral and slightly polar, at codon 206 of the DST protein (p.Ser206Cys).

Ambry Genetics
Classification: Uncertain significance for Inborn genetic diseases. Last evaluated: 2022-04-12. Review status: criteria provided, single submitter. Criteria: Ambry Variant Classification Scheme 2023. Collection method: clinical testing. Allele origin: germline.
Comment: The p.S710C variant (also known as c.2129C>G), located in coding exon 17 of the DST gene, results from a C to G substitution at nucleotide position 2129. The serine at codon 710 is replaced by cysteine, an amino acid with dissimilar properties. This amino acid position is not well conserved in available vertebrate species. In addition, the in silico prediction for this alteration is inconclusive. Since supporting evidence is limited at this time, the clinical significance of this alteration remains unclear.

NM_001374736.1(DST):c.2228C>G (p.Ser743Cys)

Gene: DST (dystonin; minus strand). Cytogenetic location: 6p12.1.
Variant type: single nucleotide variant.
Coding change: c.2228C>G on transcript NM_001374736.1 (MANE Select); coding-DNA position 2228, C replaced by G.
Protein change: p.Ser743Cys; replaces serine 743 with cysteine.
Molecular consequence: missense variant.
Genome position (GRCh38, 1-based): chr6:56,640,405, G>C on the plus strand (C>G on the coding strand, the complement: DST is on the minus strand). VCF-style: chr6-56640405-G-C. GRCh37 (hg19) VCF-style: chr6-56505203-G-C.
Other names: c.2129C>G, p.Ser710Cys (NM_001144769.5); c.1715C>G, p.Ser572Cys (NM_001144770.2); c.2228C>G, p.Ser743Cys (NM_001374722.1); c.1595C>G, p.Ser532Cys (NM_001374729.1, NM_001374730.1, NM_001386100.1 and 1 more transcripts); c.2255C>G, p.Ser752Cys (NM_001374734.1); c.617C>G, p.Ser206Cys (NM_001723.7, NM_015548.5); short protein forms S206C, S532C, S752C, S710C, S572C, S743C.
Identifiers: ClinVar variation 1409034 (VCV001409034.10), dbSNP rs758509873, ClinGen allele CA139218383.